The following is an entry in ClinVar:

ClinVar aggregate classification (germline): Uncertain significance. Review status: criteria provided, multiple submitters, no conflicts (2 of 4 stars). 2 submissions from 2 submitters: Uncertain significance (2). Last evaluated 2023-12-04.

Conditions:
Hereditary cancer-predisposing syndrome. Also called: Neoplastic Syndromes, Hereditary; Tumor predisposition; Hereditary Cancer Syndrome; Hereditary neoplastic syndrome. Identifiers: Orphanet 140162, MedGen C0027672, MeSH D009386, MONDO:0015356.

Submissions (2):

Color Diagnostics, LLC DBA Color Health
Classification: Uncertain significance for Hereditary cancer-predisposing syndrome. Last evaluated: 2023-12-04. Review status: criteria provided, single submitter. Criteria: ACMG Guidelines, 2015. Collection method: clinical testing. Allele origin: germline.
Comment: This missense variant replaces lysine with threonine at codon 13 of the PMS2 protein. Computational prediction suggests that this variant may not impact protein structure and function (internally defined REVEL score threshold <= 0.5, PMID: 27666373). To our knowledge, functional studies have not been reported for this variant. This variant has not been reported in individuals affected with PMS2-related disorders in the literature. This variant has not been identified in the general population by the Genome Aggregation Database (gnomAD). The available evidence is insufficient to determine the role of this variant in disease conclusively. Therefore, this variant is classified as a Variant of Uncertain Significance.

Ambry Genetics
Classification: Uncertain significance for Hereditary cancer-predisposing syndrome. Last evaluated: 2019-06-07. Review status: criteria provided, single submitter. Criteria: Ambry Variant Classification Scheme 2023. Collection method: clinical testing. Allele origin: germline.
Comment: The p.K13T variant (also known as c.38A>C), located in coding exon 2 of the PMS2 gene, results from an A to C substitution at nucleotide position 38. The lysine at codon 13 is replaced by threonine, an amino acid with similar properties. This amino acid position is well conserved in available vertebrate species. In addition, the in silico prediction for this alteration is inconclusive.

NM_000535.7(PMS2):c.38A>C (p.Lys13Thr)

Gene: PMS2 (PMS1 homolog 2, mismatch repair system component; minus strand). Cytogenetic location: 7p22.1.
Variant type: single nucleotide variant.
Coding change: c.38A>C on transcript NM_000535.7 (MANE Select); coding-DNA position 38, A replaced by C.
Protein change: p.Lys13Thr; replaces lysine 13 with threonine.
Molecular consequence: missense variant. On other transcripts: 5 prime UTR variant (8), non-coding transcript variant (1), intron variant (3).
Genome position (GRCh38, 1-based): chr7:6,006,017, T>G on the plus strand (A>C on the coding strand, the complement: PMS2 is on the minus strand). VCF-style: chr7-6006017-T-G. GRCh37 (hg19) VCF-style: chr7-6045648-T-G.
Other names: c.-368A>C (NM_001322003.2, NM_001322005.2, NM_001322009.2 and 1 more transcripts); c.38A>C, p.Lys13Thr (NM_001322006.2, NM_001322014.2); c.-178A>C (NM_001322007.2); c.-847A>C (NM_001322011.2, NM_001322012.2); c.-447A>C (NM_001322015.2); c.-52-1959A>C (NM_001322008.2); c.-242-1959A>C (NM_001322010.2, NM_001322004.2); short protein forms K13T.
Identifiers: ClinVar variation 926576 (VCV000926576.6), dbSNP rs1785719173, ClinGen allele CA366745176.
Genomic context (GRCh38, chr7:6,006,017, plus strand): 5'-AGTACCACCTGCCCAGAGCAAATCTGATGGACTGACTTCCGATCAATAGGTTTGATGGCC[T>G]TAGCAGGTTCTGTACTAGAGAAATCAGTTACAAGAAACAAATCAAGTATTCAGCTATATA-3'
Protein context (NP_000526.2, residues 3-23): RAESSSTEPA[Lys13Thr]AIKPIDRKSV